The following is an entry in ClinVar:

ClinVar aggregate classification (germline): Conflicting classifications of pathogenicity. Review status: criteria provided, conflicting classifications (1 of 4 stars). 11 submissions from 11 submitters: Uncertain significance (7); Benign (2); Likely benign (2). Last evaluated 2026-03-27.

Conditions:
CHEK2-related disorder.
Hereditary nonpolyposis colon cancer (HNPCC). Also called: Hereditary Nonpolyposis Colorectal Cancer Syndrome; Hereditary nonpolyposis colorectal cancer; Familial nonpolyposis colon cancer. Identifiers: Orphanet 443909, MedGen C1333990, MONDO:0018630. Disease mechanism: loss of function.
Hereditary cancer-predisposing syndrome. Also called: Neoplastic Syndromes, Hereditary; Tumor predisposition; Hereditary neoplastic syndrome; Hereditary Cancer Syndrome. Identifiers: Orphanet 140162, MedGen C0027672, MeSH D009386, MONDO:0015356.
Familial cancer of breast. Also called: Hereditary breast cancer; BREAST CANCER, FAMILIAL; hereditary breast carcinoma. Identifiers: Orphanet 227535, MedGen C0346153, MONDO:0016419, OMIM 114480. Disease mechanism: loss of function.

Allele frequency attached by ClinVar (database versions not stated): ExAC 0.00002; gnomAD exomes 0.00002 and 0.00004; TOPMed 0.00002; gnomAD 0.00003 and 0.00004; ESP Exome Variant Server 0.00012.

Submissions (11):

PreventionGenetics, part of Exact Sciences
Classification: Uncertain significance for CHEK2-related condition. Last evaluated: 2026-03-27. Review status: criteria provided, single submitter. Criteria: ACMG Guidelines, 2015. Collection method: clinical testing. Allele origin: germline.
Comment: The CHEK2 c.*2dupC variant is located in the 3' untranslated region. This variant has been reported in population studies in two individuals with lung cancer and in a cohort of high risk cancer predisposition (based on familial and/or personal history), as well as in a non-cancer cohort (Table S1, Liu et al 2021. PubMed ID: 33594163; Ozdemir et al 2014. PubMed ID: 39594831; Table S1, Kraemer et al. 2019 PubMed ID: 31422574). This variant is reported in 0.020% of alleles in individuals of Ashkenazi Jewish descent in gnomAD and has conflicting interpretations ranging from uncertain to benign in ClinVar (Variation ID: 185054). At this time, the clinical significance of this variant is uncertain due to the absence of conclusive functional and genetic evidence.

Ambry Genetics
Classification: Uncertain significance for Hereditary cancer-predisposing syndrome. Last evaluated: 2024-11-27. Review status: criteria provided, single submitter. Criteria: Ambry Variant Classification Scheme 2023. Collection method: clinical testing. Allele origin: germline.
Comment: The c.*2dupC variant is located in the 3' untranslated region (3&rsquo;UTR) of the CHEK2 gene. This variant results from the duplication of C two nucleotides after the termination codon of the CHEK2 gene. This alteration occurs within the non-coding region of the gene and may not interfere with gene function; however, since supporting evidence is limited at this time, the clinical significance of this variant remains unclear.

Molecular Diagnostics Laboratory, Catalan Institute of Oncology
Classification: Uncertain significance for Hereditary cancer-predisposing syndrome. Last evaluated: 2024-10-24. Review status: criteria provided, single submitter. Criteria: ACMG Guidelines, 2015. Collection method: clinical testing. Allele origin: germline.
Comment: PM2_Supporting c.*2dup is a duplication of one nucleotide located in the untranslated mRNA region downstream of the final stop codon of the gene. This variant is found in 9/253732 alleles at a frequency of 0.0035% in the gnomAD v2.1.1 database, non-cancer dataset (PM2_supporting). The SpliceAI algorithm predicts no significant impact on splicing, but in silico prediction are not calibrated for UTR regions. To our knowledge, functional studies have not been reported for this variant. This variant has been reported in the literature in patient affected with lung cancer (PMID: 33594163) and in a non-cancer related cohort (PMID: 31422574). It has only been reported in ClinVar database (1x benign, 1x likely benign, 3x uncertain significance). Based on currently available information, the variant c.*2dup should be considered an uncertain significance variant.

Myriad Genetics, Inc.
Classification: Benign for Familial cancer of breast. Last evaluated: 2024-10-09. Review status: criteria provided, single submitter. Criteria: Myriad Autosomal Dominant, Autosomal Recessive and X-Linked Classification Criteria (2023). Collection method: clinical testing. Allele origin: unknown.
Comment: This variant is considered benign. This variant occurs in the non-coding 3' untranslated region of the gene, and is not expected to impact protein function.

Blueprint Genetics
Classification: Likely benign. Last evaluated: 2024-09-09. Review status: criteria provided, single submitter. Criteria: ACMG Guidelines, 2015. Collection method: clinical testing. Allele origin: germline.

Mayo Clinic Laboratories, Mayo Clinic
Classification: Uncertain significance. Last evaluated: 2024-01-04. Review status: criteria provided, single submitter. Criteria: ACMG Guidelines, 2015. Collection method: clinical testing. Allele origin: germline. Observed: 1 variant allele.
Comment: BP4

Quest Diagnostics Nichols Institute San Juan Capistrano
Classification: Uncertain significance. Last evaluated: 2023-02-03. Review status: criteria provided, single submitter. Criteria: Quest Diagnostics criteria. Collection method: clinical testing. Allele origin: unknown.
Comment: The frequency of this variant in the general population, 0.000064 (8/124118 chromosomes), is uninformative in assessment of its pathogenicity. In the published literature, the variant has been reported in an individual with lung cancer (PMID: 33594163 (2021)). Based on the available information, we are unable to determine the clinical significance of this variant.

Department of Pathology and Laboratory Medicine, Sinai Health System
Classification: Uncertain significance for hereditary nonpolyposis colon cancer. Last evaluated: 2022-09-16. Review status: criteria provided, single submitter. Criteria: ACMG Guidelines, 2015. Collection method: clinical testing. Allele origin: germline. Affected: no.

Women's Health and Genetics/Laboratory Corporation of America, LabCorp
Classification: Uncertain significance. Last evaluated: 2021-09-16. Review status: criteria provided, single submitter. Criteria: LabCorp Variant Classification Summary - May 2015. Collection method: clinical testing. Allele origin: germline.
Comment: Variant summary: CHEK2 c.*2dupC is located in the untranslated mRNA region downstream of the termination codon. The variant allele was found at a frequency of 3.9e-05 in 233634 control chromosomes (gnomAD). The available data on variant occurrences in the general population are insufficient to allow any conclusion about variant significance. c.*2dupC has been reported in the literature in a study looking at prevalence of genetic susceptibility for breast and ovarian cancer in a non-cancer related cohort (Karemer_2019). This report does not provide an unequivocal conclusion about association of the variant with Hereditary Breast and Ovarian Cancer. To our knowledge, no experimental evidence demonstrating an impact on protein function has been reported. Two ClinVar submissions (evaluation after 2014) cite the variant once as likely benign and once as uncertain significance. Based on the evidence outlined above, the variant was classified as uncertain significance.

Color Diagnostics, LLC DBA Color Health
Classification: Likely benign for Hereditary cancer-predisposing syndrome. Last evaluated: 2016-10-26. Review status: criteria provided, single submitter. Criteria: ACMG Guidelines, 2015. Collection method: clinical testing. Allele origin: germline.

GeneDx
Classification: Benign. Last evaluated: 2015-07-02. Review status: criteria provided, single submitter. Criteria: GeneDx Variant Classification Process June 2021. Collection method: clinical testing. Allele origin: germline. Affected: yes.

Literature cited by the submitters: PubMed 31422574 (cited by 3 submitters); PubMed 33594163 (cited by Quest Diagnostics Nichols Institute San Juan Capistrano).

NM_007194.4(CHEK2):c.*2dup

Gene: CHEK2 (checkpoint kinase 2; minus strand). Cytogenetic location: 22q12.1.
Variant type: Duplication.
Coding change: c.*2dup on transcript NM_007194.4 (MANE Select); 2 bases downstream of the stop codon, one base duplicated (C; older notation c.*2dupC).
Molecular consequence: 3 prime UTR variant.
Genome position (GRCh38, 1-based): chr22:28,687,895, G duplicated on the plus strand (C on the coding strand, the reverse complement: CHEK2 is on the minus strand). VCF-style (leftmost placement, unchanged base first): chr22-28687894-A-AG. GRCh37 (hg19) VCF-style: chr22-29083882-A-AG.
Other names: p.?; c.*2dup (NM_001005735.3, NM_001257387.3, NM_001349956.3 and 1 more transcripts).
Identifiers: ClinVar variation 185054 (VCV000185054.19), dbSNP rs749257861, ClinGen allele CA190886.